The following is an entry in ClinVar:

ClinVar aggregate classification (germline): Uncertain significance. Review status: criteria provided, multiple submitters, no conflicts (2 of 4 stars). 3 submissions from 3 submitters: Uncertain significance (2). 1 of the submissions does not count toward it. Last evaluated 2023-04-19.

Conditions:
Inborn genetic diseases. Identifiers: MedGen C0950123, MeSH D030342.
MHC class II deficiency. Also called: Bare lymphocyte syndrome 2; BLS, TYPE II. Identifiers: Orphanet 572, MedGen C5447452, MONDO:0008855.

Allele frequency attached by ClinVar (database versions not stated): gnomAD 0.00001.
gnomAD v4.1: 4 of 1,607,002 alleles (0.00025%); highest among the groups gnomAD compares: South Asian, 0.0033%; no homozygotes.

Submissions (3):

Ambry Genetics
Classification: Uncertain significance for Inborn genetic diseases. Last evaluated: 2023-04-19. Review status: criteria provided, single submitter. Criteria: Ambry Variant Classification Scheme 2023. Collection method: clinical testing. Allele origin: germline.

Labcorp Genetics (formerly Invitae), Labcorp
Classification: Uncertain significance for MHC class II deficiency. Last evaluated: 2022-02-06. Review status: criteria provided, single submitter. Criteria: Invitae Variant Classification Sherloc (09022015). Collection method: clinical testing. Allele origin: germline.
Comment: In summary, the available evidence is currently insufficient to determine the role of this variant in disease. Therefore, it has been classified as a Variant of Uncertain Significance. Algorithms developed to predict the effect of sequence changes on RNA splicing suggest that this variant may create or strengthen a splice site. Algorithms developed to predict the effect of missense changes on protein structure and function (SIFT, PolyPhen-2, Align-GVGD) all suggest that this variant is likely to be tolerated. ClinVar contains an entry for this variant (Variation ID: 991991). This variant has not been reported in the literature in individuals affected with CIITA-related conditions. This variant is present in population databases (rs765687423, gnomAD 0.007%). This sequence change replaces proline, which is neutral and non-polar, with glutamine, which is neutral and polar, at codon 517 of the CIITA protein (p.Pro517Gln).

Natera, Inc.
Classification: Uncertain significance for Bare lymphocyte syndrome type II. Last evaluated: 2020-04-24. Review status: no assertion criteria provided. Collection method: clinical testing. Allele origin: germline. Not counted in ClinVar's aggregate classification.

NM_000246.4(CIITA):c.1550C>A (p.Pro517Gln)

Gene: CIITA (class II major histocompatibility complex transactivator; plus strand). Cytogenetic location: 16p13.13.
Variant type: single nucleotide variant.
Coding change: c.1550C>A on transcript NM_000246.4 (MANE Select); coding-DNA position 1550, C replaced by A.
Protein change: p.Pro517Gln; replaces proline 517 with glutamine.
Molecular consequence: missense variant. On other transcripts: intron variant (1).
Genome position (GRCh38, 1-based): chr16:10,907,042, C>A. VCF-style: chr16-10907042-C-A. GRCh37 (hg19) VCF-style: chr16-11000899-C-A.
Other names: c.1553C>A, p.Pro518Gln (NM_001286402.1, NM_001379332.1); c.1406C>A, p.Pro469Gln (NM_001379330.1); c.1403C>A, p.Pro468Gln (NM_001379331.1); c.1550C>A, p.Pro517Gln (NM_001379333.1); c.1481C>A, p.Pro494Gln (NM_001379334.1); c.860-1941C>A (NM_001286403.2); short protein forms P468Q, P469Q, P494Q, P517Q, P518Q.
Identifiers: ClinVar variation 991991 (VCV000991991.7), dbSNP rs765687423, ClinGen allele CA7900165.